The following is an entry in ClinVar:

NM_000135.4(FANCA):c.2066G>C (p.Gly689Ala)

Gene: FANCA (FA complementation group A; minus strand). Cytogenetic location: 16q24.3.
Variant type: single nucleotide variant.
Coding change: c.2066G>C on transcript NM_000135.4 (MANE Select); coding-DNA position 2066, G replaced by C.
Protein change: p.Gly689Ala; replaces glycine 689 with alanine.
Molecular consequence: missense variant.
Genome position (GRCh38, 1-based): chr16:89,771,763, C>G on the plus strand (G>C on the coding strand, the complement: FANCA is on the minus strand). VCF-style: chr16-89771763-C-G. GRCh37 (hg19) VCF-style: chr16-89838171-C-G.
Other names: c.2066G>C, p.Gly689Ala (NM_001286167.3); short protein forms G689A.
Identifiers: ClinVar variation 4619314 (VCV004619314.1).

ClinVar aggregate classification (germline): Uncertain significance (1 of 4 stars; one submission).

Conditions:
Inborn genetic diseases. Identifiers: MedGen C0950123, MeSH D030342.

Submission:

Ambry Genetics
Classification: Uncertain significance for Inborn genetic diseases. Last evaluated: 2025-12-10. Review status: criteria provided, single submitter. Criteria: Ambry Variant Classification Scheme 2023. Collection method: clinical testing. Allele origin: germline.
Comment: The p.G689A variant (also known as c.2066G>C), located in coding exon 23 of the FANCA gene, results from a G to C substitution at nucleotide position 2066. The glycine at codon 689 is replaced by alanine, an amino acid with similar properties. This amino acid position is conserved. In addition, this alteration is predicted to be tolerated by in silico analysis. Based on the available evidence, the clinical significance of this variant remains unclear.